The following is an entry in ClinVar:

NM_001113491.2(SEPTIN9):c.1585A>G (p.Thr529Ala)

Gene: SEPTIN9 (septin 9; plus strand). Cytogenetic location: 17q25.3.
Variant type: single nucleotide variant.
Coding change: c.1585A>G on transcript NM_001113491.2 (MANE Select); coding-DNA position 1585, A replaced by G.
Protein change: p.Thr529Ala; replaces threonine 529 with alanine.
Molecular consequence: missense variant.
Genome position (GRCh38, 1-based): chr17:77,497,326, A>G. VCF-style: chr17-77497326-A-G. GRCh37 (hg19) VCF-style: chr17-75493408-A-G.
Other names: c.1093A>G, p.Thr365Ala (NM_001113492.2, NM_001113494.1); c.1564A>G, p.Thr522Ala (NM_001113493.2); c.832A>G, p.Thr278Ala (NM_001113495.2, NM_001113496.2, NM_001293697.2 and 1 more transcripts); c.1528A>G, p.Thr510Ala (NM_001293695.2); c.913A>G, p.Thr305Ala (NM_001293696.2); c.1531A>G, p.Thr511Ala (NM_006640.5); short protein forms T278A, T365A, T305A, T511A, T522A, T510A, T529A.
Identifiers: ClinVar variation 3660065 (VCV003660065.2).

ClinVar aggregate classification (germline): Uncertain significance (1 of 4 stars; one submission).

Submission:

Labcorp Genetics (formerly Invitae), Labcorp
Classification: Uncertain significance. Last evaluated: 2024-07-21. Review status: criteria provided, single submitter. Criteria: Invitae Variant Classification Sherloc (09022015). Collection method: clinical testing. Allele origin: germline.
Comment: This sequence change replaces threonine, which is neutral and polar, with alanine, which is neutral and non-polar, at codon 511 of the SEPT9 protein (p.Thr511Ala). This variant is not present in population databases (gnomAD no frequency). This variant has not been reported in the literature in individuals affected with SEPT9-related conditions. Advanced modeling of protein sequence and biophysical properties (such as structural, functional, and spatial information, amino acid conservation, physicochemical variation, residue mobility, and thermodynamic stability) performed at Invitae indicates that this missense variant is not expected to disrupt SEPT9 protein function with a negative predictive value of 80%. In summary, the available evidence is currently insufficient to determine the role of this variant in disease. Therefore, it has been classified as a Variant of Uncertain Significance.